The following is an entry in ClinVar:

NM_020762.4(SRGAP1):c.2358C>T (p.Asn786=)

Gene: SRGAP1 (SLIT-ROBO Rho GTPase activating protein 1; plus strand). Cytogenetic location: 12q14.2.
Variant type: single nucleotide variant.
Coding change: c.2358C>T on transcript NM_020762.4 (MANE Select); coding-DNA position 2358, C replaced by T.
Protein change: p.Asn786=; no amino-acid change (asparagine 786 retained).
Molecular consequence: synonymous variant.
Genome position (GRCh38, 1-based): chr12:64,126,110, C>T. VCF-style: chr12-64126110-C-T. GRCh37 (hg19) VCF-style: chr12-64519890-C-T.
Other names: c.2289C>T, p.Asn763= (NM_001346201.2); c.2358C>T (NM_020762.3).
Identifiers: ClinVar variation 785416 (VCV000785416.7), dbSNP rs12303060, ClinGen allele CA6666982.
Genomic context (GRCh38, chr12:64,126,110, plus strand): 5'-GGGTGCCTCCCTGCTGCTGTATCACCGTGCATCTGAGGACTGGTGGGAAGGCAGGCACAA[C>T]GGGATTGACGGGCTGGTGCCTCACCAGTATATAGTGGTGCAGGATATGTGAGTAGTCTCA-3'
Protein context (NP_065813.1, residues 776-796): ASEDWWEGRH[Asn786=]GIDGLVPHQY

ClinVar aggregate classification (germline): Benign. Review status: criteria provided, multiple submitters, no conflicts (2 of 4 stars). 3 submissions from 3 submitters: Benign (2). 1 of the submissions does not count toward it. Last evaluated 2019-12-31.

Conditions:
SRGAP1-related disorder. Also called: SRGAP1-related condition.

Allele frequency attached by ClinVar (database versions not stated): gnomAD exomes 0.00698; ExAC 0.00857; gnomAD 0.02497; ESP Exome Variant Server 0.02730; TOPMed 0.02754; 1000 Genomes Project 0.02995; 1000 Genomes Project 30x 0.03217.
gnomAD v4.1: 7,792 of 1,614,080 alleles (0.48%); highest among the groups gnomAD compares: African/African-American, 8.5%; 291 homozygotes.

Submissions (3):

Labcorp Genetics (formerly Invitae), Labcorp
Classification: Benign. Last evaluated: 2019-12-31. Review status: criteria provided, single submitter. Criteria: Invitae Variant Classification Sherloc (09022015). Collection method: clinical testing. Allele origin: germline.

Breakthrough Genomics
Classification: Benign. Review status: criteria provided, single submitter. Criteria: ACMG Guidelines, 2015. Collection method: not provided. Allele origin: germline. Inheritance: Autosomal dominant inheritance. Affected: yes.

PreventionGenetics, part of Exact Sciences
Classification: Benign for SRGAP1-related condition. Last evaluated: 2019-04-16. Review status: no assertion criteria provided. Collection method: clinical testing. Allele origin: germline. Not counted in ClinVar's aggregate classification.
Comment: This variant is classified as benign based on ACMG/AMP sequence variant interpretation guidelines (Richards et al. 2015 PMID: 25741868, with internal and published modifications).